The following is an entry in ClinVar:

NM_016356.5(DCDC2):c.1040T>A (p.Val347Glu)

Gene: DCDC2 (doublecortin domain containing 2; minus strand). Cytogenetic location: 6p22.3.
Variant type: single nucleotide variant.
Coding change: c.1040T>A on transcript NM_016356.5 (MANE Select); coding-DNA position 1040, T replaced by A.
Protein change: p.Val347Glu; replaces valine 347 with glutamic acid.
Molecular consequence: missense variant.
Genome position (GRCh38, 1-based): chr6:24,178,616, A>T on the plus strand (T>A on the coding strand, the complement: DCDC2 is on the minus strand). VCF-style: chr6-24178616-A-T. GRCh37 (hg19) VCF-style: chr6-24178844-A-T.
Other names: c.1040T>A, p.Val347Glu (NM_001195610.2); short protein forms V347E.
Identifiers: ClinVar variation 3764422 (VCV003764422.1).

ClinVar aggregate classification (germline): Uncertain significance (1 of 4 stars; one submission).

gnomAD v4.1: 8 of 1,612,986 alleles (0.0005%); highest among the groups gnomAD compares: South Asian, 0.0077%; 1 homozygote.

Submission:

GeneDx
Classification: Uncertain significance. Last evaluated: 2024-08-22. Review status: criteria provided, single submitter. Criteria: GeneDx Variant Classification Process June 2021. Collection method: clinical testing. Allele origin: germline. Affected: yes.
Comment: Not observed at significant frequency in large population cohorts (gnomAD); In silico analysis supports that this missense variant has a deleterious effect on protein structure/function; Has not been previously published as pathogenic or benign to our knowledge